The following is an entry in ClinVar:

NM_003721.4(RFXANK):c.721G>T (p.Val241Leu)

Genes: NR2C2AP (nuclear receptor 2C2 associated protein; minus strand), RFXANK (regulatory factor X associated ankyrin containing protein; plus strand). Cytogenetic location: 19p13.11.
Variant type: single nucleotide variant.
Coding change: c.721G>T on transcript NM_003721.4 (MANE Select); coding-DNA position 721, G replaced by T.
Protein change: p.Val241Leu; replaces valine 241 with leucine.
Molecular consequence: missense variant. On other transcripts: 3 prime UTR variant (1), intron variant (1).
Genome position (GRCh38, 1-based): chr19:19,201,657, G>T. VCF-style: chr19-19201657-G-T. GRCh37 (hg19) VCF-style: chr19-19312466-G-T.
Other names: c.*268C>A (NM_176880.6); c.655G>T, p.Val219Leu (NM_001278727.2, NM_001370234.1); c.652G>T, p.Val218Leu (NM_001278728.2, NM_134440.3); c.721G>T, p.Val241Leu (NM_001370233.1); c.718G>T, p.Val240Leu (NM_001370235.1, NM_001370236.1); c.793G>T, p.Val265Leu (NM_001370237.1); c.796G>T, p.Val266Leu (NM_001370238.1); c.415-94C>A (NM_001300945.2); short protein forms V218L, V219L, V240L, V241L, V265L, V266L.
Identifiers: ClinVar variation 1021280 (VCV001021280.4), dbSNP rs769532234, ClinGen allele CA404900448.

ClinVar aggregate classification (germline): Uncertain significance (1 of 4 stars; one submission).

Conditions:
MHC class II deficiency. Also called: BLS, TYPE II; Bare lymphocyte syndrome 2. Identifiers: Orphanet 572, MedGen C5447452, MONDO:0008855.

Allele frequency attached by ClinVar (database versions not stated): gnomAD 0.00001; TOPMed 0.00002.
gnomAD v4.1: 3 of 1,613,996 alleles (0.00019%); highest among the groups gnomAD compares: Non-Finnish European, 0.00025%; no homozygotes.

Submission:

Labcorp Genetics (formerly Invitae), Labcorp
Classification: Uncertain significance for MHC class II deficiency. Last evaluated: 2022-12-02. Review status: criteria provided, single submitter. Criteria: Invitae Variant Classification Sherloc (09022015). Collection method: clinical testing. Allele origin: germline.
Comment: Advanced modeling of protein sequence and biophysical properties (such as structural, functional, and spatial information, amino acid conservation, physicochemical variation, residue mobility, and thermodynamic stability) performed at Invitae indicates that this missense variant is not expected to disrupt RFXANK protein function. In summary, the available evidence is currently insufficient to determine the role of this variant in disease. Therefore, it has been classified as a Variant of Uncertain Significance. ClinVar contains an entry for this variant (Variation ID: 1021280). This variant has not been reported in the literature in individuals affected with RFXANK-related conditions. This variant is not present in population databases (gnomAD no frequency). This sequence change replaces valine, which is neutral and non-polar, with leucine, which is neutral and non-polar, at codon 241 of the RFXANK protein (p.Val241Leu).